The following is an entry in ClinVar:

ClinVar aggregate classification (germline): Uncertain significance (1 of 4 stars; one submission).

Conditions:
Cardiovascular phenotype. Identifiers: MedGen CN230736.

Submission:

Ambry Genetics
Classification: Uncertain significance for Cardiovascular phenotype. Last evaluated: 2026-09-11. Review status: criteria provided, single submitter. Criteria: Ambry Variant Classification Scheme 2023. Collection method: clinical testing. Allele origin: germline.
Comment: The p.V1481F variant (also known as c.4441G>T), located in coding exon 26 of the APOB gene, results from a G to T substitution at nucleotide position 4441. The valine at codon 1481 is replaced by phenylalanine, an amino acid with highly similar properties. This amino acid position is conserved. In addition, this alteration is predicted to be tolerated by in silico analysis. Based on the available evidence, the clinical significance of this variant remains unclear.

NM_000384.3(APOB):c.4441G>T (p.Val1481Phe)

Gene: APOB (apolipoprotein B; minus strand). Cytogenetic location: 2p24.1.
Variant type: single nucleotide variant.
Coding change: c.4441G>T on transcript NM_000384.3 (MANE Select); coding-DNA position 4441, G replaced by T.
Protein change: p.Val1481Phe; replaces valine 1481 with phenylalanine.
Molecular consequence: missense variant.
Genome position (GRCh38, 1-based): chr2:21,012,427, C>A on the plus strand (G>T on the coding strand, the complement: APOB is on the minus strand). VCF-style: chr2-21012427-C-A. GRCh37 (hg19) VCF-style: chr2-21235299-C-A.
Other names: short protein forms V1481F.
Identifiers: ClinVar variation 4125745 (VCV004125745.2).
Genomic context (GRCh38, chr2:21,012,427, plus strand): 5'-ATGTGCCTTTAGCATAGAACGAAGAGACTCTGAACTGCCCATCAATCTTGACTTCTTTGA[C>A]AAACAAATGCTGTTTCTTTTTGGAGTCCAAATGAACTGAAGCAGACATCTGTGGTCCCCA-3'
Protein context (NP_000375.3, residues 1471-1491): LDSKKKQHLF[Val1481Phe]KEVKIDGQFR